The following is an entry in ClinVar:

NM_001382567.1(STIM1):c.610C>G (p.Leu204Val)

Gene: STIM1 (stromal interaction molecule 1; plus strand). Cytogenetic location: 11p15.4.
Variant type: single nucleotide variant.
Coding change: c.610C>G on transcript NM_001382567.1 (MANE Select); coding-DNA position 610, C replaced by G.
Protein change: p.Leu204Val; replaces leucine 204 with valine.
Molecular consequence: missense variant. On other transcripts: non-coding transcript variant (3), intron variant (1).
Genome position (GRCh38, 1-based): chr11:4,059,393, C>G. VCF-style: chr11-4059393-C-G. GRCh37 (hg19) VCF-style: chr11-4080623-C-G.
Other names: c.610C>G, p.Leu204Val (NM_001277961.3, NM_001277962.2, NM_001382568.1 and 2 more transcripts); c.388C>G, p.Leu130Val (NM_001382566.1, NM_001382573.1, NM_001382574.1 and 5 more transcripts); c.475C>G, p.Leu159Val (NM_001382569.1); c.130C>G, p.Leu44Val (NM_001382571.1); c.121C>G, p.Leu41Val (NM_001382580.1, NM_001382581.1); c.386-10633C>G (NM_001382570.1); short protein forms L159V, L44V, L130V, L204V, L41V.
Identifiers: ClinVar variation 4792393 (VCV004792393.1).
Genomic context (GRCh38, chr11:4,059,393, plus strand): 5'-CGGAGTCATCGGCAGAAGCTGCAGCTGAAGGCTCTGGATACAGTGCTCTTTGGGCCTCCT[C>G]TCTGTGAGTCTTGTGTTGAGAAGGGCTACTGCTGTGCCATGGAAACCAAAGCTGTTGTAG-3'
Protein context (NP_001369496.1, residues 194-214): ALDTVLFGPP[Leu204Val]LTRHNHLKDF

ClinVar aggregate classification (germline): Uncertain significance (1 of 4 stars; one submission).

Conditions:
Myopathy with tubular aggregates (TAM). Also called: Tubular Aggregate Myopathy. Identifiers: Orphanet 2593, MedGen C0410207, MONDO:0008051.
Stormorken syndrome (STRMK). Also called: THROMBOCYTOPATHY, ASPLENIA, AND MIOSIS. Identifiers: Orphanet 3204, MedGen C1861451, MONDO:0008497, OMIM 185070.
Combined immunodeficiency due to STIM1 deficiency. Also called: STIM1 DEFICIENCY; IMMUNODEFICIENCY 10. Identifiers: Orphanet 169090, Orphanet 317430, MedGen C2748557, MONDO:0013008, OMIM 612783.

Submission:

Labcorp Genetics (formerly Invitae), Labcorp
Classification: Uncertain significance for Myopathy with tubular aggregates; Combined immunodeficiency due to STIM1 deficiency; Stormorken syndrome. Last evaluated: 2025-03-26. Review status: criteria provided, single submitter. Criteria: Invitae Variant Classification Sherloc (09022015). Collection method: clinical testing. Allele origin: germline.
Comment: This sequence change replaces leucine, which is neutral and non-polar, with valine, which is neutral and non-polar, at codon 204 of the STIM1 protein (p.Leu204Val). This variant is not present in population databases (gnomAD no frequency). This variant has not been reported in the literature in individuals affected with STIM1-related conditions. Invitae Evidence Modeling of protein sequence and biophysical properties (such as structural, functional, and spatial information, amino acid conservation, physicochemical variation, residue mobility, and thermodynamic stability) has been performed for this missense variant. However, the output from this modeling did not meet the statistical confidence thresholds required to predict the impact of this variant on STIM1 protein function. In summary, the available evidence is currently insufficient to determine the role of this variant in disease. Therefore, it has been classified as a Variant of Uncertain Significance.